The following is an entry in ClinVar:

NM_152713.5(STT3A):c.2090T>C (p.Leu697Pro)

Gene: STT3A (STT3 oligosaccharyltransferase complex catalytic subunit A; plus strand). Cytogenetic location: 11q24.2.
Variant type: single nucleotide variant.
Coding change: c.2090T>C on transcript NM_152713.5 (MANE Select); coding-DNA position 2090, T replaced by C.
Protein change: p.Leu697Pro; replaces leucine 697 with proline.
Molecular consequence: missense variant.
Genome position (GRCh38, 1-based): chr11:125,620,782, T>C. VCF-style: chr11-125620782-T-C. GRCh37 (hg19) VCF-style: chr11-125490677-T-C.
Other names: c.2090T>C, p.Leu697Pro (NM_001278503.2); c.1814T>C, p.Leu605Pro (NM_001278504.2); c.2090T>C (NM_152713.3); short protein forms L697P, L605P.
Identifiers: ClinVar variation 1385454 (VCV001385454.9), dbSNP rs774925673, ClinGen allele CA6349230.
Genomic context (GRCh38, chr11:125,620,782, plus strand): 5'-TCCAAAGTTGATCTGATTGTAAATATTAAACTGACATCTTTATGTTGCAGGTAAAGGACC[T>C]GGATAATCGAGGCTTGTCAAGGACATAAATGTCACGTCCAGCTCTGATATGCTTCGCACT-3'
Protein context (NP_689926.1, residues 687-705): WLVRIYKVKD[Leu697Pro]DNRGLSRT

ClinVar aggregate classification (germline): Uncertain significance. Review status: criteria provided, multiple submitters, no conflicts (2 of 4 stars). 2 submissions from 2 submitters: Uncertain significance (2). Last evaluated 2025-01-27.

Conditions:
Inborn genetic diseases. Identifiers: MedGen C0950123, MeSH D030342.

Allele frequency attached by ClinVar (database versions not stated): ExAC 0.00001; gnomAD 0.00001; gnomAD exomes 0.00001; TOPMed 0.00002.
gnomAD v4.1: 19 of 1,613,850 alleles (0.0012%); highest among the groups gnomAD compares: Non-Finnish European, 0.0016%; no homozygotes.

Submissions (2):

Ambry Genetics
Classification: Uncertain significance for Inborn genetic diseases. Last evaluated: 2025-01-27. Review status: criteria provided, single submitter. Criteria: Ambry Variant Classification Scheme 2023. Collection method: clinical testing. Allele origin: germline.

Labcorp Genetics (formerly Invitae), Labcorp
Classification: Uncertain significance. Last evaluated: 2022-08-23. Review status: criteria provided, single submitter. Criteria: Invitae Variant Classification Sherloc (09022015). Collection method: clinical testing. Allele origin: germline.
Comment: In summary, the available evidence is currently insufficient to determine the role of this variant in disease. Therefore, it has been classified as a Variant of Uncertain Significance. This sequence change replaces leucine, which is neutral and non-polar, with proline, which is neutral and non-polar, at codon 697 of the STT3A protein (p.Leu697Pro). This variant is present in population databases (rs774925673, gnomAD 0.003%). This variant has not been reported in the literature in individuals affected with STT3A-related conditions. Algorithms developed to predict the effect of missense changes on protein structure and function (SIFT, PolyPhen-2, Align-GVGD) all suggest that this variant is likely to be tolerated.